The following is an entry in ClinVar:

ClinVar aggregate classification (germline): Uncertain significance. Review status: criteria provided, multiple submitters, no conflicts (2 of 4 stars). 3 submissions from 3 submitters: Uncertain significance (3). Last evaluated 2025-09-17.

Conditions:
PKD2-related disorder. Also called: PKD2-related condition.

Allele frequency attached by ClinVar (database versions not stated): gnomAD exomes below 0.00001.
gnomAD v4.1: 1 of 1,614,134 alleles (0.000062%); highest among the groups gnomAD compares: Non-Finnish European, 0.000085%; no homozygotes.

Submissions (3):

PreventionGenetics, part of Exact Sciences
Classification: Uncertain significance for PKD2-related condition. Last evaluated: 2025-09-17. Review status: criteria provided, single submitter. Criteria: ACMG Guidelines, 2015. Collection method: clinical testing. Allele origin: germline.
Comment: The PKD2 c.2651T>C variant is predicted to result in the amino acid substitution p.Leu884Pro. To our knowledge, this variant has not been reported in the literature or in a large population database (gnomAD), indicating this variant is rare. At this time, the clinical significance of this variant is uncertain due to the absence of conclusive functional and genetic evidence.

Blueprint Genetics
Classification: Uncertain significance. Last evaluated: 2024-05-22. Review status: criteria provided, single submitter. Criteria: ACMG Guidelines, 2015. Collection method: clinical testing. Allele origin: germline.

Athena Diagnostics
Classification: Uncertain significance. Last evaluated: 2022-07-18. Review status: criteria provided, single submitter. Criteria: Athena Diagnostics Criteria. Collection method: clinical testing. Allele origin: unknown.

NM_000297.4(PKD2):c.2651T>C (p.Leu884Pro)

Gene: PKD2 (polycystin 2, transient receptor potential cation channel; plus strand). Cytogenetic location: 4q22.1.
Variant type: single nucleotide variant.
Coding change: c.2651T>C on transcript NM_000297.4 (MANE Select); coding-DNA position 2651, T replaced by C.
Protein change: p.Leu884Pro; replaces leucine 884 with proline.
Molecular consequence: missense variant. On other transcripts: non-coding transcript variant (1).
Genome position (GRCh38, 1-based): chr4:88,074,940, T>C. VCF-style: chr4-88074940-T-C. GRCh37 (hg19) VCF-style: chr4-88996092-T-C.
Other names: short protein forms L884P.
Identifiers: ClinVar variation 1807329 (VCV001807329.3), dbSNP rs2476009612, ClinGen allele CA357628094.